The following is an entry in ClinVar:

Conditions:
Arteriohepatic dysplasia. Also called: Alagille Syndrome. Identifiers: Orphanet 52, MedGen C0085280, MeSH D016738, MONDO:0007318.

Submission:

Gilbert/Spinner Lab, Children's Hospital of Philadelphia
No classification provided (evidence only). Condition: Alagille syndrome. Review status: no classification provided. Collection method: research. Allele origin: not applicable. Functional consequence: functionally_abnormal.
ClinVar note: "not provided" was previously submitted as the classification for the variant. However, the classification appeared to be based only on an observation of functional data so it was converted to no classification on 2025-07-30.

NM_000214.3(JAG1):c.856A>C (p.Thr286Pro)

Gene: JAG1 (jagged canonical Notch ligand 1; minus strand). Cytogenetic location: 20p12.2.
Variant type: single nucleotide variant.
Coding change: c.856A>C on transcript NM_000214.3 (MANE Select); coding-DNA position 856, A replaced by C.
Protein change: p.Thr286Pro; replaces threonine 286 with proline.
Molecular consequence: missense variant.
Genome position (GRCh38, 1-based): chr20:10,652,498, T>G on the plus strand (A>C on the coding strand, the complement: JAG1 is on the minus strand). VCF-style: chr20-10652498-T-G. GRCh37 (hg19) VCF-style: chr20-10633146-T-G.
Other names: short protein forms T286P.
Identifiers: ClinVar variation 3573386 (VCV003573386.2).